The following is an entry in ClinVar:

ClinVar aggregate classification (germline): Uncertain significance (1 of 4 stars; one submission).

Submission:

GeneDx
Classification: Uncertain significance. Last evaluated: 2023-12-15. Review status: criteria provided, single submitter. Criteria: GeneDx Variant Classification Process June 2021. Collection method: clinical testing. Allele origin: germline. Affected: yes.
Comment: Not observed at significant frequency in large population cohorts (gnomAD); In silico analysis supports that this missense variant does not alter protein structure/function; Has not been previously published as pathogenic or benign to our knowledge

NM_002430.3(MN1):c.2218C>G (p.Leu740Val)

Gene: MN1 (MN1 proto-oncogene, transcriptional regulator; minus strand). Cytogenetic location: 22q12.1.
Variant type: single nucleotide variant.
Coding change: c.2218C>G on transcript NM_002430.3 (MANE Select); coding-DNA position 2218, C replaced by G.
Protein change: p.Leu740Val; replaces leucine 740 with valine.
Molecular consequence: missense variant.
Genome position (GRCh38, 1-based): chr22:27,798,326, G>C on the plus strand (C>G on the coding strand, the complement: MN1 is on the minus strand). VCF-style: chr22-27798326-G-C. GRCh37 (hg19) VCF-style: chr22-28194314-G-C.
Other names: short protein forms L740V.
Identifiers: ClinVar variation 3365611 (VCV003365611.1).